The following is an entry in ClinVar:

ClinVar aggregate classification (germline): Conflicting classifications of pathogenicity. Review status: criteria provided, conflicting classifications (1 of 4 stars). 4 submissions from 4 submitters: Uncertain significance (2); Likely benign (1). 1 of the submissions does not count toward it. Last evaluated 2025-05-28.

Conditions:
VPS13D-related disorder. Also called: VPS13D-related condition.
Inborn genetic diseases. Identifiers: MedGen C0950123, MeSH D030342.

Allele frequency attached by ClinVar (database versions not stated): gnomAD exomes 0.00001.
gnomAD v4.1: 19 of 1,601,572 alleles (0.0012%); highest among the groups gnomAD compares: African/African-American, 0.019%; no homozygotes.

Submissions (4):

Mayo Clinic Laboratories, Mayo Clinic
Classification: Likely benign. Last evaluated: 2025-05-28. Review status: criteria provided, single submitter. Criteria: ACMG Guidelines, 2015. Collection method: clinical testing. Allele origin: germline. Observed: 1 variant allele.
Comment: BP4, BP7

Labcorp Genetics (formerly Invitae), Labcorp
Classification: Uncertain significance. Last evaluated: 2024-05-15. Review status: criteria provided, single submitter. Criteria: Invitae Variant Classification Sherloc (09022015). Collection method: clinical testing. Allele origin: germline.
Comment: This sequence change falls in intron 55 of the VPS13D gene. It does not directly change the encoded amino acid sequence of the VPS13D protein. It affects a nucleotide within the consensus splice site. This variant is not present in population databases (gnomAD no frequency). This variant has not been reported in the literature in individuals affected with VPS13D-related conditions. ClinVar contains an entry for this variant (Variation ID: 1902051). Variants that disrupt the consensus splice site are a relatively common cause of aberrant splicing (PMID: 17576681, 9536098). Algorithms developed to predict the effect of sequence changes on RNA splicing suggest that this variant is not likely to affect RNA splicing. In summary, the available evidence is currently insufficient to determine the role of this variant in disease. Therefore, it has been classified as a Variant of Uncertain Significance.

Ambry Genetics
Classification: Uncertain significance for Inborn genetic diseases. Last evaluated: 2021-10-20. Review status: criteria provided, single submitter. Criteria: Ambry Variant Classification Scheme 2023. Collection method: clinical testing. Allele origin: germline.
Comment: The c.10917+4A>G intronic alteration consists of a A to G substitution 4 nucleotides after exon 55 (coding exon 54) of the VPS13D gene. Based on insufficient or conflicting evidence, the clinical significance of this alteration remains unclear.

PreventionGenetics, part of Exact Sciences
Classification: Likely benign for VPS13D-related condition. Last evaluated: 2019-12-09. Review status: no assertion criteria provided. Collection method: clinical testing. Allele origin: germline. Not counted in ClinVar's aggregate classification.
Comment: This variant is classified as likely benign based on ACMG/AMP sequence variant interpretation guidelines (Richards et al. 2015 PMID: 25741868, with internal and published modifications).

Literature cited by the submitters: PubMed 17576681 (cited by Labcorp Genetics (formerly Invitae), Labcorp); PubMed 9536098 (cited by Labcorp Genetics (formerly Invitae), Labcorp).

NM_015378.4(VPS13D):c.10917+4A>G

Gene: VPS13D (vacuolar protein sorting 13 homolog D; plus strand). Cytogenetic location: 1p36.22.
Variant type: single nucleotide variant.
Coding change: c.10917+4A>G on transcript NM_015378.4 (MANE Select); 4 bases into the intron after coding-DNA position 10917, A replaced by G.
Molecular consequence: intron variant.
Genome position (GRCh38, 1-based): chr1:12,373,862, A>G. VCF-style: chr1-12373862-A-G. GRCh37 (hg19) VCF-style: chr1-12433917-A-G.
Other names: p.?; c.10917+4A>G (NM_015378.3); c.10842+4A>G (NM_018156.4).
Identifiers: ClinVar variation 1902051 (VCV001902051.7), dbSNP rs1397045479, ClinGen allele CA416132047.